The following is an entry in ClinVar:

ClinVar aggregate classification (germline): Uncertain significance (1 of 4 stars; one submission).

Conditions:
Hereditary cancer-predisposing syndrome. Also called: Tumor predisposition; Hereditary Cancer Syndrome; Hereditary neoplastic syndrome; Neoplastic Syndromes, Hereditary. Identifiers: Orphanet 140162, MedGen C0027672, MeSH D009386, MONDO:0015356.

Submission:

Ambry Genetics
Classification: Uncertain significance for Hereditary cancer-predisposing syndrome. Last evaluated: 2025-10-02. Review status: criteria provided, single submitter. Criteria: Ambry Variant Classification Scheme 2023. Collection method: clinical testing. Allele origin: germline.
Comment: The p.G1068V variant (also known as c.3203G>T), located in coding exon 22 of the SMARCA4 gene, results from a G to T substitution at nucleotide position 3203. The glycine at codon 1068 is replaced by valine, an amino acid with dissimilar properties. This amino acid position is conserved. In addition, this alteration is predicted to be deleterious by in silico analysis. Based on the available evidence, the clinical significance of this variant remains unclear.

NM_003072.5(SMARCA4):c.3203G>T (p.Gly1068Val)

Gene: SMARCA4 (SWI/SNF related BAF chromatin remodeling complex subunit ATPase 4; plus strand). Cytogenetic location: 19p13.2.
Variant type: single nucleotide variant.
Coding change: c.3203G>T on transcript NM_003072.5 (MANE Select); coding-DNA position 3203, G replaced by T.
Protein change: p.Gly1068Val; replaces glycine 1068 with valine.
Molecular consequence: missense variant. On other transcripts: non-coding transcript variant (1).
Genome position (GRCh38, 1-based): chr19:11,026,334, G>T. VCF-style: chr19-11026334-G-T. GRCh37 (hg19) VCF-style: chr19-11137010-G-T.
Other names: c.3203G>T, p.Gly1068Val (NM_001128844.3, NM_001128845.2, NM_001128846.2 and 6 more transcripts); short protein forms G1068V.
Identifiers: ClinVar variation 4549298 (VCV004549298.1).